The following is an entry in ClinVar:

ClinVar aggregate classification (germline): Uncertain significance (1 of 4 stars; one submission).

Conditions:
Inborn genetic diseases. Identifiers: MedGen C0950123, MeSH D030342.

Submission:

Ambry Genetics
Classification: Uncertain significance for Inborn genetic diseases. Last evaluated: 2025-12-24. Review status: criteria provided, single submitter. Criteria: Ambry Variant Classification Scheme 2023. Collection method: clinical testing. Allele origin: germline.
Comment: The p.D880V variant (also known as c.2639A>T), located in coding exon 12 of the BMPR2 gene, results from an A to T substitution at nucleotide position 2639. The aspartic acid at codon 880 is replaced by valine, an amino acid with highly dissimilar properties. This amino acid position is conserved. In addition, the in silico prediction for this alteration is inconclusive. Based on the available evidence, the clinical significance of this variant remains unclear.

NM_001204.7(BMPR2):c.2639A>T (p.Asp880Val)

Gene: BMPR2 (bone morphogenetic protein receptor type 2; plus strand). Cytogenetic location: 2q33.2.
Variant type: single nucleotide variant.
Coding change: c.2639A>T on transcript NM_001204.7 (MANE Select); coding-DNA position 2639, A replaced by T.
Protein change: p.Asp880Val; replaces aspartic acid 880 with valine.
Molecular consequence: missense variant.
Genome position (GRCh38, 1-based): chr2:202,556,304, A>T. VCF-style: chr2-202556304-A-T. GRCh37 (hg19) VCF-style: chr2-203421027-A-T.
Other names: short protein forms D880V.
Identifiers: ClinVar variation 4843365 (VCV004843365.1).